The following is an entry in ClinVar:

ClinVar aggregate classification (germline): Likely benign (1 of 4 stars; one submission).

Submission:

CeGaT Center for Human Genetics Tuebingen
Classification: Likely benign. Last evaluated: 2025-02-01. Review status: criteria provided, single submitter. Criteria: CeGaT Center For Human Genetics Tuebingen Variant Classification Criteria Version 2. Collection method: clinical testing. Allele origin: germline. Affected: yes. Observed: 1 variant allele.
Comment: IFT70B: BP4, BP7

NM_152517.3(IFT70B):c.1344C>A (p.Arg448=)

Gene: IFT70B (intraflagellar transport 70B; minus strand). Cytogenetic location: 2q31.2.
Variant type: single nucleotide variant.
Coding change: c.1344C>A on transcript NM_152517.3 (MANE Select); coding-DNA position 1344, C replaced by A.
Protein change: p.Arg448=; no amino-acid change (arginine 448 retained).
Molecular consequence: synonymous variant.
Genome position (GRCh38, 1-based): chr2:177,551,420, G>T on the plus strand (C>A on the coding strand, the complement: IFT70B is on the minus strand). VCF-style: chr2-177551420-G-T. GRCh37 (hg19) VCF-style: chr2-178416148-G-T.
Identifiers: ClinVar variation 3770719 (VCV003770719.13).